The following is an entry in ClinVar:

ClinVar aggregate classification (germline): Conflicting classifications of pathogenicity. Review status: criteria provided, conflicting classifications (1 of 4 stars). 2 submissions from 2 submitters: Uncertain significance (1); Likely benign (1). Last evaluated 2026-05-01.

gnomAD v4.1: 89 of 1,611,786 alleles (0.0055%); highest among the groups gnomAD compares: Admixed American, 0.15%; no homozygotes.

Submissions (2):

CeGaT Center for Human Genetics Tuebingen
Classification: Likely benign. Last evaluated: 2026-05-01. Review status: criteria provided, single submitter. Criteria: CeGaT Center For Human Genetics Tuebingen Variant Classification Criteria Version 2. Collection method: clinical testing. Allele origin: germline. Affected: yes. Observed: 1 variant allele.
Comment: RREB1: BS1

Ambry Genetics
Classification: Uncertain significance. Last evaluated: 2024-11-10. Review status: criteria provided, single submitter. Criteria: Ambry Variant Classification Scheme 2023. Collection method: clinical testing. Allele origin: germline.

NM_001003699.4(RREB1):c.3065C>G (p.Ala1022Gly)

Gene: RREB1 (ras responsive element binding protein 1; plus strand). Cytogenetic location: 6p24.3.
Variant type: single nucleotide variant.
Coding change: c.3065C>G on transcript NM_001003699.4 (MANE Select); coding-DNA position 3065, C replaced by G.
Protein change: p.Ala1022Gly; replaces alanine 1022 with glycine.
Molecular consequence: missense variant.
Genome position (GRCh38, 1-based): chr6:7,231,164, C>G. VCF-style: chr6-7231164-C-G. GRCh37 (hg19) VCF-style: chr6-7231397-C-G.
Other names: c.3065C>G, p.Ala1022Gly (NM_001003698.4, NM_001003700.2, NM_001168344.2); short protein forms A1022G.
Identifiers: ClinVar variation 3435524 (VCV003435524.3).